The following is an entry in ClinVar:

NM_001267550.2(TTN):c.21003A>G (p.Lys7001=)

Genes: TTN (titin; minus strand), LOC126806428 (BRD4-independent group 4 enhancer GRCh37_chr2:179588362-179589561; plus strand). Cytogenetic location: 2q31.2.
Variant type: single nucleotide variant.
Coding change: c.21003A>G on transcript NM_001267550.2 (MANE Select); coding-DNA position 21003, A replaced by G.
Protein change: p.Lys7001=; no amino-acid change (lysine 7001 retained).
Molecular consequence: synonymous variant. On other transcripts: intron variant (3).
Genome position (GRCh38, 1-based): chr2:178,724,372, T>C on the plus strand (A>G on the coding strand, the complement: TTN is on the minus strand). VCF-style: chr2-178724372-T-C. GRCh37 (hg19) VCF-style: chr2-179589099-T-C.
Other names: c.20052A>G, p.Lys6684= (NM_001256850.1); c.13282+13710A>G (NM_003319.4); c.13858+13710A>G (NM_133437.4); c.13657+13710A>G (NM_133432.3); c.17271A>G, p.Lys5757= (NM_133378.4).
Identifiers: ClinVar variation 178973 (VCV000178973.20), dbSNP rs727504579, ClinGen allele CA183411.

ClinVar aggregate classification (germline): Conflicting classifications of pathogenicity. Review status: criteria provided, conflicting classifications (1 of 4 stars). 4 submissions from 4 submitters: Uncertain significance (1); Likely benign (3). Last evaluated 2026-09-21.

Conditions:
Autosomal recessive limb-girdle muscular dystrophy type 2J (LGMDR10). Also called: MUSCULAR DYSTROPHY, LIMB-GIRDLE, AUTOSOMAL RECESSIVE 10; Limb-girdle muscular dystrophy, type 2J. Identifiers: Orphanet 140922, MedGen C1837342, MONDO:0012127, OMIM 608807.
Dilated cardiomyopathy 1G (CMD1G). Identifiers: Orphanet 154, MedGen C1858763, MONDO:0011400, OMIM 604145.

Allele frequency attached by ClinVar (database versions not stated): TOPMed 0.00005; gnomAD exomes 0.00001 and 0.00004; ExAC 0.00002.
gnomAD v4.1: 24 of 1,613,530 alleles (0.0015%); highest among the groups gnomAD compares: Admixed American, 0.025%; no homozygotes.

Submissions (4):

Molecular Diagnostic Laboratory for Inherited Cardiovascular Disease, Montreal Heart Institute
Classification: Likely benign. Last evaluated: 2026-09-21. Review status: criteria provided, single submitter. Criteria: ACMG Guidelines, 2015. Collection method: clinical testing. Allele origin: germline. Affected: no.
Comment: BP7

Labcorp Genetics (formerly Invitae), Labcorp
Classification: Likely benign for Dilated cardiomyopathy 1G; Autosomal recessive limb-girdle muscular dystrophy type 2J. Last evaluated: 2025-12-23. Review status: criteria provided, single submitter. Criteria: Invitae Variant Classification Sherloc (09022015). Collection method: clinical testing. Allele origin: germline.

Eurofins Ntd Llc (ga)
Classification: Uncertain significance. Last evaluated: 2016-01-15. Review status: criteria provided, single submitter. Criteria: EGL Classification Definitions 2015. Collection method: clinical testing. Allele origin: germline. Observed: 1 variant allele, 1 heterozygote.

Laboratory for Molecular Medicine, Mass General Brigham Personalized Medicine
Classification: Likely benign. Last evaluated: 2015-10-01. Review status: criteria provided, single submitter. Criteria: LMM Criteria. Collection method: clinical testing. Allele origin: germline. Observed: 2 variant alleles.
Comment: p.Lys5757Lys in exon 69 of TTN: This variant is not expected to have clinical si gnificance because it does not alter an amino acid residue and is not located wi thin the splice consensus sequence. It has been identified in 3/11468 Latino chr omosomes by the Exome Aggregation Consortium (ExAC, rg).